The following is an entry in ClinVar:

ClinVar aggregate classification (germline): Conflicting classifications of pathogenicity. Review status: criteria provided, conflicting classifications (1 of 4 stars). 2 submissions from 2 submitters: Uncertain significance (1); Likely benign (1). Last evaluated 2025-11-05.

Conditions:
Cardiovascular phenotype. Identifiers: MedGen CN230736.

Allele frequency attached by ClinVar (database versions not stated): gnomAD 0.00001; ExAC 0.00001; gnomAD exomes 0.00001; TOPMed 0.00002.
gnomAD v4.1: 26 of 1,608,478 alleles (0.0016%); highest among the groups gnomAD compares: Non-Finnish European, 0.0017%; no homozygotes.

Submissions (2):

Ambry Genetics
Classification: Likely benign for Cardiovascular phenotype. Last evaluated: 2025-11-05. Review status: criteria provided, single submitter. Criteria: Ambry Variant Classification Scheme 2023. Collection method: clinical testing. Allele origin: germline.

GeneDx
Classification: Uncertain significance. Last evaluated: 2023-03-03. Review status: criteria provided, single submitter. Criteria: GeneDx Variant Classification Process June 2021. Collection method: clinical testing. Allele origin: germline. Affected: yes.
Comment: Has not been previously published as pathogenic or benign to our knowledge; Not observed at a significant frequency in large population cohorts (gnomAD); In silico analysis supports that this missense variant has a deleterious effect on protein structure/function

NM_001365276.2(TNXB):c.3037C>T (p.Arg1013Cys)

Gene: TNXB (tenascin XB; minus strand). Cytogenetic location: 6p21.33.
Variant type: single nucleotide variant.
Coding change: c.3037C>T on transcript NM_001365276.2 (MANE Select); coding-DNA position 3037, C replaced by T.
Protein change: p.Arg1013Cys; replaces arginine 1013 with cysteine.
Molecular consequence: missense variant.
Genome position (GRCh38, 1-based): chr6:32,085,861, G>A on the plus strand (C>T on the coding strand, the complement: TNXB is on the minus strand). VCF-style: chr6-32085861-G-A. GRCh37 (hg19) VCF-style: chr6-32053638-G-A.
Other names: c.3037C>T, p.Arg1013Cys (NM_019105.8); short protein forms R1013C.
Identifiers: ClinVar variation 2444592 (VCV002444592.2), dbSNP rs778207341, ClinGen allele CA3735264.